The following is an entry in ClinVar:

NM_000338.3(SLC12A1):c.1464_1471delinsATCAT (p.Met488_Gly491delinsIleSerTrp)

Gene: SLC12A1 (solute carrier family 12 member 1; plus strand). Cytogenetic location: 15q21.1.
Variant type: Indel.
Coding change: c.1464_1471delinsATCAT on transcript NM_000338.3 (MANE Select); coding-DNA positions 1464 to 1471, GGTATCAG replaced by ATCAT.
Protein change: p.Met488_Gly491delinsIleSerTrp.
Molecular consequence: inframe indel.
Genome position (GRCh38, 1-based): chr15:48,246,920-48,246,927, GGTATCAG replaced by ATCAT. VCF-style: chr15-48246920-GGTATCAG-ATCAT. GRCh37 (hg19) VCF-style: chr15-48539117-GGTATCAG-ATCAT.
Other names: c.1464_1471delinsATCAT, p.Met488_Gly491delinsIleSerTrp (NM_001184832.2, NM_001384136.1).
Identifiers: ClinVar variation 1922045 (VCV001922045.5), dbSNP rs2505085618, ClinGen allele CA2580089524.

ClinVar aggregate classification (germline): Uncertain significance (1 of 4 stars; one submission).

Submission:

Labcorp Genetics (formerly Invitae), Labcorp
Classification: Uncertain significance. Last evaluated: 2021-12-22. Review status: criteria provided, single submitter. Criteria: Invitae Variant Classification Sherloc (09022015). Collection method: clinical testing. Allele origin: germline.
Comment: This variant, c.1464_1471delinsATCAT, is a complex sequence change that results in the deletion of 4 amino acids and insertion of 3 amino acid(s) in the SLC12A1 protein (p.Met488_Gly491delinsIleSerTrp). This variant is present in population databases (no rsID available, gnomAD 0.0009%). This variant has not been reported in the literature in individuals affected with SLC12A1-related conditions. Algorithms developed to predict the effect of missense changes on protein structure and function are either unavailable or do not agree on the potential impact of this missense change (SIFT: "Tolerated"; PolyPhen-2: "Probably Damaging"; Align-GVGD: "Class C0"). In summary, the available evidence is currently insufficient to determine the role of this variant in disease. Therefore, it has been classified as a Variant of Uncertain Significance.